The following is an entry in ClinVar:

NM_153365.3(TAPT1):c.743_744del (p.Tyr248fs)

Gene: TAPT1 (transmembrane anterior posterior transformation 1; minus strand). Cytogenetic location: 4p15.32.
Variant type: Deletion.
Coding change: c.743_744del on transcript NM_153365.3 (MANE Select); coding-DNA positions 743 to 744, 2 bases deleted (AT; older notation c.743_744delAT).
Protein change: p.Tyr248fs; shifts the reading frame from tyrosine 248.
Molecular consequence: frameshift variant.
Genome position (GRCh38, 1-based): chr4:16,188,224-16,188,225, AT deleted on the plus strand (AT on the coding strand, the reverse complement: TAPT1 is on the minus strand); deleting any 2 consecutive bases within chr4:16,188,224-16,188,226 gives the same sequence; the c. name uses the placement nearest the transcript's 3' end. VCF-style (leftmost placement, unchanged base first): chr4-16188223-CAT-C. GRCh37 (hg19) VCF-style: chr4-16189846-CAT-C.
Other names: short protein forms Y248fs.
Identifiers: ClinVar variation 3653152 (VCV003653152.2).

ClinVar aggregate classification (germline): Pathogenic (1 of 4 stars; one submission).

Submission:

Labcorp Genetics (formerly Invitae), Labcorp
Classification: Pathogenic. Last evaluated: 2024-05-12. Review status: criteria provided, single submitter. Criteria: Invitae Variant Classification Sherloc (09022015). Collection method: clinical testing. Allele origin: germline.
Comment: This sequence change creates a premature translational stop signal (p.Tyr248Cysfs*20) in the TAPT1 gene. It is expected to result in an absent or disrupted protein product. Loss-of-function variants in TAPT1 are known to be pathogenic (PMID: 26365339, 32058062). This variant is not present in population databases (gnomAD no frequency). This variant has not been reported in the literature in individuals affected with TAPT1-related conditions. For these reasons, this variant has been classified as Pathogenic.

Literature cited by the submitters: PubMed 26365339; PubMed 32058062.